The following is an entry in ClinVar:

NM_004766.3(COPB2):c.889G>A (p.Val297Ile)

Gene: COPB2 (coat protein complex I subunit beta 2; minus strand). Cytogenetic location: 3q23.
Variant type: single nucleotide variant.
Coding change: c.889G>A on transcript NM_004766.3 (MANE Select); coding-DNA position 889, G replaced by A.
Protein change: p.Val297Ile; replaces valine 297 with isoleucine.
Molecular consequence: missense variant. On other transcripts: non-coding transcript variant (1).
Genome position (GRCh38, 1-based): chr3:139,373,671, C>T on the plus strand (G>A on the coding strand, the complement: COPB2 is on the minus strand). VCF-style: chr3-139373671-C-T. GRCh37 (hg19) VCF-style: chr3-139092513-C-T.
Other names: c.802G>A, p.Val268Ile (NM_001410834.1); short protein forms V268I, V297I.
Identifiers: ClinVar variation 3719781 (VCV003719781.2).
Genomic context (GRCh38, chr3:139,373,671, plus strand): 5'-TACAAAGAAAATGGTTTTGCCTATGTCCACCTACTGAGAGGGATAGTATAATTACCTTAA[C>T]AATGATGCTCCCTTCATCATAGCCCAAAGCGACATTGTTTGACCCTCTTAGACTGGCCAC-3'
Protein context (NP_004757.1, residues 287-307): ALGYDEGSII[Val297Ile]KLGREEPAMS

ClinVar aggregate classification (germline): Uncertain significance (1 of 4 stars; one submission).

Submission:

Labcorp Genetics (formerly Invitae), Labcorp
Classification: Uncertain significance. Last evaluated: 2024-02-07. Review status: criteria provided, single submitter. Criteria: Invitae Variant Classification Sherloc (09022015). Collection method: clinical testing. Allele origin: germline.
Comment: This sequence change replaces valine, which is neutral and non-polar, with isoleucine, which is neutral and non-polar, at codon 297 of the COPB2 protein (p.Val297Ile). This variant is not present in population databases (gnomAD no frequency). This variant has not been reported in the literature in individuals affected with COPB2-related conditions. An algorithm developed to predict the effect of missense changes on protein structure and function (PolyPhen-2) suggests that this variant is likely to be tolerated. In summary, the available evidence is currently insufficient to determine the role of this variant in disease. Therefore, it has been classified as a Variant of Uncertain Significance.